The following is an entry in ClinVar:

NM_000334.4(SCN4A):c.3164T>A (p.Ile1055Asn)

Genes: GH-LCR (growth hormone locus control region; plus strand), SCN4A (sodium voltage-gated channel alpha subunit 4; minus strand). Cytogenetic location: 17q23.3.
Variant type: single nucleotide variant.
Coding change: c.3164T>A on transcript NM_000334.4 (MANE Select); coding-DNA position 3164, T replaced by A.
Protein change: p.Ile1055Asn; replaces isoleucine 1055 with asparagine.
Molecular consequence: missense variant.
Genome position (GRCh38, 1-based): chr17:63,948,044, A>T on the plus strand (T>A on the coding strand, the complement: SCN4A is on the minus strand). VCF-style: chr17-63948044-A-T. GRCh37 (hg19) VCF-style: chr17-62025404-A-T.
Other names: short protein forms I1055N.
Identifiers: ClinVar variation 2435740 (VCV002435740.6), dbSNP rs893049769, ClinGen allele CA400621384.
Genomic context (GRCh38, chr17:63,948,044, plus strand): 5'-ATGTAGGTGAAGACCTTGTCGGCATATTCTAGGATGGTGCGAATGACTCGCCGCTGCTCA[A>T]TGTAGATGTCCTCGAAGGCCTGGGGGCACCAGCACCACCAGGGTGGCTGGGGTCCAGCAG-3'
Protein context (NP_000325.4, residues 1045-1065): SGALAFEDIY[Ile1055Asn]EQRRVIRTIL

ClinVar aggregate classification (germline): Uncertain significance. Review status: criteria provided, multiple submitters, no conflicts (2 of 4 stars). 2 submissions from 2 submitters: Uncertain significance (2). Last evaluated 2023-11-27.

Conditions:
Hyperkalemic periodic paralysis. Also called: Familial hyperkalemic periodic paralysis; Gamstorp disease. Identifiers: Orphanet 682, MedGen C0238357, MONDO:0008224, OMIM 170500, HP:0007215.

gnomAD v4.1: 2 of 1,605,572 alleles (0.00012%); highest among the groups gnomAD compares: East Asian, 0.0045%; no homozygotes.

Submissions (2):

Labcorp Genetics (formerly Invitae), Labcorp
Classification: Uncertain significance for Hyperkalemic periodic paralysis. Last evaluated: 2023-11-27. Review status: criteria provided, single submitter. Criteria: Invitae Variant Classification Sherloc (09022015). Collection method: clinical testing. Allele origin: germline.
Comment: This sequence change replaces isoleucine, which is neutral and non-polar, with asparagine, which is neutral and polar, at codon 1055 of the SCN4A protein (p.Ile1055Asn). This variant is present in population databases (no rsID available, gnomAD 0.006%). This variant has not been reported in the literature in individuals affected with SCN4A-related conditions. ClinVar contains an entry for this variant (Variation ID: 2435740). Advanced modeling of protein sequence and biophysical properties (such as structural, functional, and spatial information, amino acid conservation, physicochemical variation, residue mobility, and thermodynamic stability) has been performed at Invitae for this missense variant, however the output from this modeling did not meet the statistical confidence thresholds required to predict the impact of this variant on SCN4A protein function. In summary, the available evidence is currently insufficient to determine the role of this variant in disease. Therefore, it has been classified as a Variant of Uncertain Significance.

Revvity Omics, Revvity
Classification: Uncertain significance. Last evaluated: 2019-05-29. Review status: criteria provided, single submitter. Criteria: ACMG Guidelines, 2015. Collection method: clinical testing. Allele origin: germline.